The following is an entry in ClinVar:

ClinVar aggregate classification (germline): Likely pathogenic (1 of 4 stars; one submission).

Submission:

Labcorp Genetics (formerly Invitae), Labcorp
Classification: Likely pathogenic. Last evaluated: 2021-12-24. Review status: criteria provided, single submitter. Criteria: Invitae Variant Classification Sherloc (09022015). Collection method: clinical testing. Allele origin: germline.
Comment: This sequence change affects a donor splice site in intron 19 of the CARMIL2 gene. It is expected to disrupt RNA splicing. Variants that disrupt the donor or acceptor splice site typically lead to a loss of protein function (PMID: 16199547), and loss-of-function variants in CARMIL2 are known to be pathogenic (PMID: 27647349, 28112205). This variant is not present in population databases (gnomAD no frequency). This variant has not been reported in the literature in individuals affected with CARMIL2-related conditions. Algorithms developed to predict the effect of sequence changes on RNA splicing suggest that this variant may disrupt the consensus splice site. In summary, the currently available evidence indicates that the variant is pathogenic, but additional data are needed to prove that conclusively. Therefore, this variant has been classified as Likely Pathogenic.

Literature cited by the submitters: PubMed 16199547; PubMed 27647349; PubMed 28112205.

NM_001013838.3(CARMIL2):c.1746+1G>A

Gene: CARMIL2 (capping protein regulator and myosin 1 linker 2; plus strand). Cytogenetic location: 16q22.1.
Variant type: single nucleotide variant.
Coding change: c.1746+1G>A on transcript NM_001013838.3 (MANE Select); the canonical splice donor site of the intron after coding-DNA position 1746, G replaced by A.
Molecular consequence: splice donor variant.
Genome position (GRCh38, 1-based): chr16:67,649,312, G>A. VCF-style: chr16-67649312-G-A. GRCh37 (hg19) VCF-style: chr16-67683215-G-A.
Other names: c.1638+1G>A (NM_001317026.3).
Identifiers: ClinVar variation 2058821 (VCV002058821.4), dbSNP rs2543552613, ClinGen allele CA396337497.
Genomic context (GRCh38, chr16:67,649,312, plus strand): 5'-AGGGAGACCCTGGACGACGTCCTGCACCGGATTGTCCAGCTCATGCAGGACGACGATTGT[G>A]TGAGTTCACGGGACCTTGCAGGGCCTCGGGCAATTAGACCACTTTGGTCCTCCTTTCTCT-3'